The following is an entry in ClinVar:

ClinVar aggregate classification (germline): Uncertain significance (1 of 4 stars; one submission).

Conditions:
Hypertrophic cardiomyopathy. Also called: HYPERTROPHIC MYOCARDIOPATHY. Identifiers: Orphanet 217569, MedGen C0007194, MeSH D002312, MONDO:0005045, HP:0001639.

Submission:

Labcorp Genetics (formerly Invitae), Labcorp
Classification: Uncertain significance for Hypertrophic cardiomyopathy. Last evaluated: 2025-02-02. Review status: criteria provided, single submitter. Criteria: Invitae Variant Classification Sherloc (09022015). Collection method: clinical testing. Allele origin: germline.
Comment: This sequence change replaces aspartic acid, which is acidic and polar, with glutamic acid, which is acidic and polar, at codon 613 of the MYBPC3 protein (p.Asp613Glu). This variant is not present in population databases (gnomAD no frequency). This variant has not been reported in the literature in individuals affected with MYBPC3-related conditions. An algorithm developed to predict the effect of missense changes on protein structure and function (PolyPhen-2) suggests that this variant is likely to be disruptive. In summary, the available evidence is currently insufficient to determine the role of this variant in disease. Therefore, it has been classified as a Variant of Uncertain Significance.

NM_000256.3(MYBPC3):c.1839C>G (p.Asp613Glu)

Gene: MYBPC3 (myosin binding protein C3; minus strand). Cytogenetic location: 11p11.2.
Variant type: single nucleotide variant.
Coding change: c.1839C>G on transcript NM_000256.3 (MANE Select); coding-DNA position 1839, C replaced by G.
Protein change: p.Asp613Glu; replaces aspartic acid 613 with glutamic acid.
Molecular consequence: missense variant.
Genome position (GRCh38, 1-based): chr11:47,341,196, G>C on the plus strand (C>G on the coding strand, the complement: MYBPC3 is on the minus strand). VCF-style: chr11-47341196-G-C. GRCh37 (hg19) VCF-style: chr11-47362747-G-C.
Other names: short protein forms D613E.
Identifiers: ClinVar variation 3653536 (VCV003653536.2).